The following is an entry in ClinVar:

ClinVar aggregate classification (germline): Benign. Review status: reviewed by expert panel (3 of 4 stars). 14 submissions from 13 submitters: Benign (1). 13 of the submissions do not count toward it. Last evaluated 2018-09-28.

Conditions:
Autosomal recessive nonsyndromic hearing loss 4 (DFNB4). Also called: Deafness, autosomal recessive 4, with enlarged vestibular aqueduct; Deafness, autosomal recessive 4; Enlarged vestibular aqueduct, digenic; FOXI1-Related Pendred Syndrome; KCNJ10-Related Pendred Syndrome; Nonsyndromic enlarged vestibular aqueduct (NSEVA). Identifiers: Orphanet 90636, MedGen C3538946, MONDO:0010933, OMIM 600791.
Pendred syndrome (PDS). Also called: Pendred's syndrome; Pendred Syndrome (PDS); THYROID DYSHORMONOGENESIS 2B; THYROID HORMONOGENESIS, GENETIC DEFECT IN, 2B; DEAFNESS WITH GOITER; GOITER-DEAFNESS SYNDROME. Identifiers: Orphanet 705, MedGen C0271829, MONDO:0010134, OMIM 274600.
Microcephaly 5, primary, autosomal recessive (MCPH5). Also called: ASPM Primary Microcephaly. Identifiers: Orphanet 2512, MedGen C1837501, MONDO:0012106, OMIM 608716.

Allele frequency attached by ClinVar (database versions not stated): gnomAD 0.00003 and 0.00127; TOPMed 0.00022; gnomAD exomes 0.00204 and 0.00397; 1000 Genomes Project 0.00759; ExAC 0.00436; 1000 Genomes Project 30x 0.00718.
gnomAD v4.1: 3,183 of 1,613,532 alleles (0.2%); highest among the groups gnomAD compares: South Asian, 3.3%; 81 homozygotes.

Submissions (14):

ClinGen Hearing Loss Variant Curation Expert Panel
Classification: Benign for Pendred syndrome. Last evaluated: 2018-09-28. Review status: reviewed by expert panel. Criteria: ClinGen HL ACMG Specifications v1. Collection method: curation. Allele origin: germline. Inheritance: Autosomal recessive inheritance.
Comment: The filtering allele frequency of the p.Ile455Phe variant in the SLC26A4 gene is 3% (981/30778) of South Asian chromosomes by the Genome Aggregation Database (calculated by using inverse allele frequency at an online resource), which is a high frequency that is consistent with benign classification based on thresholds defined by the ClinGen Hearing Loss Expert Panel for autosomal recessive hearing loss variants (BA1).

CeGaT Center for Human Genetics Tuebingen
Classification: Benign. Last evaluated: 2026-07-01. Review status: criteria provided, single submitter. Criteria: CeGaT Center For Human Genetics Tuebingen Variant Classification Criteria Version 2. Collection method: clinical testing. Allele origin: germline. Affected: yes. Observed: 2 variant alleles. Not counted in ClinVar's aggregate classification.
Comment: SLC26A4: BS1, BS2

Labcorp Genetics (formerly Invitae), Labcorp
Classification: Benign. Last evaluated: 2026-02-04. Review status: criteria provided, single submitter. Criteria: Invitae Variant Classification Sherloc (09022015). Collection method: clinical testing. Allele origin: germline. Not counted in ClinVar's aggregate classification.

Fulgent Genetics
Classification: Likely benign for Pendred syndrome; Autosomal recessive nonsyndromic hearing loss 4. Last evaluated: 2022-05-05. Review status: criteria provided, single submitter. Criteria: ACMG Guidelines, 2015. Collection method: clinical testing. Allele origin: unknown. Not counted in ClinVar's aggregate classification.

GeneDx
Classification: Benign. Last evaluated: 2018-03-30. Review status: criteria provided, single submitter. Criteria: GeneDx Variant Classification (06012015). Collection method: clinical testing. Allele origin: germline. Affected: yes. Not counted in ClinVar's aggregate classification.
Comment: This variant is considered likely benign or benign based on one or more of the following criteria: it is a conservative change, it occurs at a poorly conserved position in the protein, it is predicted to be benign by multiple in silico algorithms, and/or has population frequency not consistent with disease.

Illumina Laboratory Services, Illumina
Classification: Uncertain significance for Pendred syndrome. Last evaluated: 2017-04-27. Review status: criteria provided, single submitter. Criteria: ICSL Variant Classification Criteria 13 December 2019. Collection method: clinical testing. Allele origin: germline. Not counted in ClinVar's aggregate classification.

Illumina Laboratory Services, Illumina
Classification: Uncertain significance for Autosomal recessive nonsyndromic hearing loss 4. Last evaluated: 2017-04-27. Review status: criteria provided, single submitter. Criteria: ICSL Variant Classification Criteria 13 December 2019. Collection method: clinical testing. Allele origin: germline. Not counted in ClinVar's aggregate classification.

Center for Pediatric Genomic Medicine, Children's Mercy Hospital and Clinics
Classification: Benign. Last evaluated: 2017-01-24. Review status: criteria provided, single submitter. Criteria: ACMG Guidelines, 2015. Collection method: clinical testing. Allele origin: germline. Not counted in ClinVar's aggregate classification.

Laboratory for Molecular Medicine, Mass General Brigham Personalized Medicine
Classification: Benign. Last evaluated: 2016-03-03. Review status: criteria provided, single submitter. Criteria: LMM Criteria. Collection method: clinical testing. Allele origin: germline. Observed: 6 variant alleles. Not counted in ClinVar's aggregate classification.
Comment: p.Ile455Phe in exon 12 of SLC26A4: This variant is not expected to have clinical significance because it has been identified in 3.2% (520/16506) of South Asian chromosomes by the Exome Aggregation Consortium (ExAC; dbSNP rs375576481).

Eurofins Ntd Llc (ga)
Classification: Benign. Last evaluated: 2015-01-16. Review status: criteria provided, single submitter. Criteria: EGL Classification Definitions 2015. Collection method: clinical testing. Allele origin: germline. Not counted in ClinVar's aggregate classification.

Broad Center for Mendelian Genomics, Broad Institute of MIT and Harvard
Classification: Benign for Microcephaly 5, primary, autosomal recessive. Review status: criteria provided, single submitter. Criteria: ACMG Guidelines, 2015. Collection method: research. Allele origin: germline. Inheritance: Autosomal recessive inheritance. Affected: yes. Not counted in ClinVar's aggregate classification.
Comment: The p.Ile455Phe variant in SLC26A4 has been identified in at least 2 individuals with non-syndromic deafness (PMID: 12676893), and has been identified in >3% of South Asian chromosomes and 13 homozygotes by ExAC. In summary, this variant meets criteria to be classified as benign for autosomal recessive non-syndromic deafness.

Natera, Inc.
Classification: Benign for Pendred syndrome. Last evaluated: 2020-04-16. Review status: no assertion criteria provided. Collection method: clinical testing. Allele origin: germline. Not counted in ClinVar's aggregate classification.

Clinical Genetics DNA and cytogenetics Diagnostics Lab, Erasmus MC, Erasmus Medical Center
Classification: Likely benign. Review status: no assertion criteria provided. Collection method: clinical testing. Allele origin: germline. Affected: yes. Study: VKGL Data-share Consensus. Not counted in ClinVar's aggregate classification.

Clinical Genetics, Academic Medical Center
Classification: Benign. Review status: no assertion criteria provided. Collection method: clinical testing. Allele origin: germline. Affected: yes. Study: VKGL Data-share Consensus. Not counted in ClinVar's aggregate classification.

Literature cited by the submitters: PubMed 12676893 (cited by 3 submitters); PubMed 19287372 (cited by Laboratory for Molecular Medicine, Mass General Brigham Personalized Medicine and Eurofins Ntd Llc (ga)).

NM_000441.2(SLC26A4):c.1363A>T (p.Ile455Phe)

Gene: SLC26A4 (solute carrier family 26 member 4; plus strand). Cytogenetic location: 7q22.3.
Variant type: single nucleotide variant.
Coding change: c.1363A>T on transcript NM_000441.2 (MANE Select); coding-DNA position 1363, A replaced by T.
Protein change: p.Ile455Phe; replaces isoleucine 455 with phenylalanine.
Molecular consequence: missense variant.
Genome position (GRCh38, 1-based): chr7:107,694,642, A>T. VCF-style: chr7-107694642-A-T. GRCh37 (hg19) VCF-style: chr7-107335087-A-T.
Other names: NM_000441.1(SLC26A4):c.1363A>T(p.Ile455Phe); NM_000441.1(SLC26A4):c.1363A>T; short protein forms I455F.
Identifiers: ClinVar variation 43507 (VCV000043507.38), dbSNP rs375576481, ClinGen allele CA132664.
Genomic context (GRCh38, chr7:107,694,642, plus strand): 5'-TTCCCTGAATAACACAGCCTTCTCTGTCTCTCTTGGCAGTCGGTCTTGGCAGCTGTTGTA[A>T]TTGCCAACCTGAAAGGGATGTTTATGCAGCTGTGTGACATTCCTCGTCTGTGGAGACAGA-3'
Protein context (NP_000432.1, residues 445-465): LQKSVLAAVV[Ile455Phe]ANLKGMFMQL